The following is an entry in ClinVar:

NM_001079802.2(FKTN):c.143T>C (p.Ile48Thr)

Gene: FKTN (fukutin; plus strand). Cytogenetic location: 9q31.2.
Variant type: single nucleotide variant.
Coding change: c.143T>C on transcript NM_001079802.2 (MANE Select); coding-DNA position 143, T replaced by C.
Protein change: p.Ile48Thr; replaces isoleucine 48 with threonine.
Molecular consequence: missense variant. On other transcripts: 5 prime UTR variant (5), non-coding transcript variant (2).
Genome position (GRCh38, 1-based): chr9:105,596,635, T>C. VCF-style: chr9-105596635-T-C. GRCh37 (hg19) VCF-style: chr9-108358916-T-C.
Other names: c.143T>C, p.Ile48Thr (NM_001198963.2, NM_001351496.2, NM_001351498.2 and 1 more transcripts); c.-25T>C (NM_001351497.2); c.-372T>C (NM_001351499.2, NM_001351500.2, NM_001351501.2 and 1 more transcripts); c.143T>C (NM_001079802.1); short protein forms I48T.
Identifiers: ClinVar variation 290533 (VCV000290533.16), dbSNP rs886044478, ClinGen allele CA10606804.

ClinVar aggregate classification (germline): Uncertain significance. Review status: criteria provided, multiple submitters, no conflicts (2 of 4 stars). 4 submissions from 4 submitters: Uncertain significance (4). Last evaluated 2024-10-15.

Conditions:
Cardiovascular phenotype. Identifiers: MedGen CN230736.
Walker-Warburg congenital muscular dystrophy. Also called: Muscular dystrophy-dystroglycanopathy, type A; Walker-Warburg syndrome. Identifiers: Orphanet 899, MedGen C0265221, MONDO:0000171.

Allele frequency attached by ClinVar (database versions not stated): gnomAD exomes below 0.00001; TOPMed below 0.00001; gnomAD 0.00001.
gnomAD v4.1: 3 of 1,611,852 alleles (0.00019%); highest among the groups gnomAD compares: African/African-American, 0.0013%; no homozygotes.

Submissions (4):

Labcorp Genetics (formerly Invitae), Labcorp
Classification: Uncertain significance for Walker-Warburg congenital muscular dystrophy. Last evaluated: 2024-10-15. Review status: criteria provided, single submitter. Criteria: Invitae Variant Classification Sherloc (09022015). Collection method: clinical testing. Allele origin: germline.
Comment: This sequence change replaces isoleucine, which is neutral and non-polar, with threonine, which is neutral and polar, at codon 48 of the FKTN protein (p.Ile48Thr). This variant is present in population databases (no rsID available, gnomAD 0.007%). This variant has not been reported in the literature in individuals affected with FKTN-related conditions. ClinVar contains an entry for this variant (Variation ID: 290533). Invitae Evidence Modeling of protein sequence and biophysical properties (such as structural, functional, and spatial information, amino acid conservation, physicochemical variation, residue mobility, and thermodynamic stability) indicates that this missense variant is not expected to disrupt FKTN protein function with a negative predictive value of 95%. In summary, the available evidence is currently insufficient to determine the role of this variant in disease. Therefore, it has been classified as a Variant of Uncertain Significance.

Ambry Genetics
Classification: Uncertain significance for Cardiovascular phenotype. Last evaluated: 2023-06-25. Review status: criteria provided, single submitter. Criteria: Ambry Variant Classification Scheme 2023. Collection method: clinical testing. Allele origin: germline.
Comment: The p.I48T variant (also known as c.143T>C), located in coding exon 2 of the FKTN gene, results from a T to C substitution at nucleotide position 143. The isoleucine at codon 48 is replaced by threonine, an amino acid with similar properties. This amino acid position is conserved. In addition, this alteration is predicted to be tolerated by in silico analysis. Since supporting evidence is limited at this time, the clinical significance of this alteration remains unclear.

Revvity Omics, Revvity
Classification: Uncertain significance. Last evaluated: 2019-06-26. Review status: criteria provided, single submitter. Criteria: ACMG Guidelines, 2015. Collection method: clinical testing. Allele origin: germline.

Eurofins Ntd Llc (ga)
Classification: Uncertain significance. Last evaluated: 2016-09-19. Review status: criteria provided, single submitter. Criteria: EGL Classification Definitions 2015. Collection method: clinical testing. Allele origin: germline. Observed: 1 variant allele, 1 heterozygote.